The following is an entry in ClinVar:

ClinVar aggregate classification (germline): Uncertain significance (1 of 4 stars; one submission).

Submission:

Labcorp Genetics (formerly Invitae), Labcorp
Classification: Uncertain significance. Last evaluated: 2022-08-31. Review status: criteria provided, single submitter. Criteria: Invitae Variant Classification Sherloc (09022015). Collection method: clinical testing. Allele origin: germline.
Comment: This variant has not been reported in the literature in individuals affected with PEX3-related conditions. A copy number gain of the genomic region encompassing the full coding sequence of the PEX3 gene has been identified. The boundaries of this event are unknown as they extend beyond the assayed region for this gene and therefore may encompass additional genes. As the precise location of this event is unknown, it may be in tandem or it may be located elsewhere in the genome. In summary, the available evidence is currently insufficient to determine the role of this variant in disease. Therefore, it has been classified as a Variant of Uncertain Significance.

NC_000006.11:g.(?_143771700)_(144086935_?)dup

Genes: FUCA2 (alpha-L-fucosidase 2; minus strand), ADAT2 (adenosine deaminase tRNA specific 2; minus strand), PEX3 (peroxisomal biogenesis factor 3; plus strand), PHACTR2 (phosphatase and actin regulator 2; plus strand). Cytogenetic location: 6q24.2.
Variant type: Duplication.
Identifiers: ClinVar variation 1056147 (VCV001056147.6).